The following is an entry in ClinVar:

ClinVar aggregate classification (germline): Uncertain significance. Review status: criteria provided, single submitter (1 of 4 stars). 2 submissions from 2 submitters: Uncertain significance (1). 1 of the submissions does not count toward it. Last evaluated 2022-05-06.

Conditions:
Neurodevelopmental disorder with language impairment and behavioral abnormalities. Also called: GRIA2-related neurodevelopmental disorder. Identifiers: MedGen C5394502, MONDO:0030060, OMIM 618917.

Submissions (2):

Labcorp Genetics (formerly Invitae), Labcorp
Classification: Uncertain significance. Last evaluated: 2022-05-06. Review status: criteria provided, single submitter. Criteria: Invitae Variant Classification Sherloc (09022015). Collection method: clinical testing. Allele origin: germline.
Comment: ClinVar contains an entry for this variant (Variation ID: 1174091). This variant has not been reported in the literature in individuals affected with GRIA2-related conditions. This variant is not present in population databases (gnomAD no frequency). This sequence change replaces glycine, which is neutral and non-polar, with valine, which is neutral and non-polar, at codon 752 of the GRIA2 protein (p.Gly752Val). Algorithms developed to predict the effect of missense changes on protein structure and function are either unavailable or do not agree on the potential impact of this missense change (SIFT: "Deleterious"; PolyPhen-2: "Probably Damaging"; Align-GVGD: "Class C0"). In summary, the available evidence is currently insufficient to determine the role of this variant in disease. Therefore, it has been classified as a Variant of Uncertain Significance.

Centre de Biologie Pathologie Génétique, Centre Hospitalier Universitaire de Lille
Classification: Likely pathogenic for Neurodevelopmental disorder with language impairment and behavioral abnormalities. Last evaluated: 2020-01-01. Review status: no assertion criteria provided. Collection method: clinical testing. Allele origin: germline. Affected: yes. Not counted in ClinVar's aggregate classification.

NM_001083619.3(GRIA2):c.2255G>T (p.Gly752Val)

Gene: GRIA2 (glutamate ionotropic receptor AMPA type subunit 2; plus strand). Cytogenetic location: 4q32.1.
Variant type: single nucleotide variant.
Coding change: c.2255G>T on transcript NM_001083619.3 (MANE Select); coding-DNA position 2255, G replaced by T.
Protein change: p.Gly752Val; replaces glycine 752 with valine.
Molecular consequence: missense variant.
Genome position (GRCh38, 1-based): chr4:157,360,107, G>T. VCF-style: chr4-157360107-G-T. GRCh37 (hg19) VCF-style: chr4-158281259-G-T.
Other names: c.2255G>T, p.Gly752Val (NM_000826.6); c.2114G>T, p.Gly705Val (NM_001083620.3, NM_001379000.3, NM_001379001.3); short protein forms G705V, G752V.
Identifiers: ClinVar variation 1174091 (VCV001174091.6), dbSNP rs2126998891, ClinGen allele CA358650248.